The following is an entry in ClinVar:

ClinVar aggregate classification (germline): Uncertain significance (1 of 4 stars; one submission).

Conditions:
Hereditary cancer-predisposing syndrome. Also called: Hereditary Cancer Syndrome; Tumor predisposition; Neoplastic Syndromes, Hereditary; Hereditary neoplastic syndrome. Identifiers: Orphanet 140162, MedGen C0027672, MeSH D009386, MONDO:0015356.

Submission:

Labcorp Genetics (formerly Invitae), Labcorp
Classification: Uncertain significance for Hereditary cancer-predisposing syndrome. Last evaluated: 2022-02-22. Review status: criteria provided, single submitter. Criteria: Invitae Variant Classification Sherloc (09022015). Collection method: clinical testing. Allele origin: germline.
Comment: This sequence change replaces cysteine, which is neutral and slightly polar, with arginine, which is basic and polar, at codon 990 of the RAD50 protein (p.Cys990Arg). This variant is not present in population databases (gnomAD no frequency). This variant has not been reported in the literature in individuals affected with RAD50-related conditions. Algorithms developed to predict the effect of missense changes on protein structure and function (SIFT, PolyPhen-2, Align-GVGD) all suggest that this variant is likely to be tolerated. In summary, the available evidence is currently insufficient to determine the role of this variant in disease. Therefore, it has been classified as a Variant of Uncertain Significance.

NM_005732.4(RAD50):c.2968T>C (p.Cys990Arg)

Gene: RAD50 (RAD50 double strand break repair protein; plus strand). Cytogenetic location: 5q31.1.
Variant type: single nucleotide variant.
Coding change: c.2968T>C on transcript NM_005732.4 (MANE Select); coding-DNA position 2968, T replaced by C.
Protein change: p.Cys990Arg; replaces cysteine 990 with arginine.
Molecular consequence: missense variant.
Genome position (GRCh38, 1-based): chr5:132,609,328, T>C. VCF-style: chr5-132609328-T-C. GRCh37 (hg19) VCF-style: chr5-131945020-T-C.
Other names: short protein forms C990R.
Identifiers: ClinVar variation 2102175 (VCV002102175.4), dbSNP rs2479371633, ClinGen allele CA360960530.